The following is an entry in ClinVar:

ClinVar aggregate classification (germline): Uncertain significance (1 of 4 stars; one submission).

gnomAD v4.1: 1 of 1,614,110 alleles (0.000062%); highest among the groups gnomAD compares: Non-Finnish European, 0.000085%; no homozygotes.

Submission:

Labcorp Genetics (formerly Invitae), Labcorp
Classification: Uncertain significance. Last evaluated: 2025-02-17. Review status: criteria provided, single submitter. Criteria: Invitae Variant Classification Sherloc (09022015). Collection method: clinical testing. Allele origin: germline.
Comment: This sequence change replaces aspartic acid, which is acidic and polar, with asparagine, which is neutral and polar, at codon 1656 of the ARID1B protein (p.Asp1656Asn). This variant is not present in population databases (gnomAD no frequency). This variant has not been reported in the literature in individuals affected with ARID1B-related conditions. Invitae Evidence Modeling of protein sequence and biophysical properties (such as structural, functional, and spatial information, amino acid conservation, physicochemical variation, residue mobility, and thermodynamic stability) indicates that this missense variant is not expected to disrupt ARID1B protein function with a negative predictive value of 95%. In summary, the available evidence is currently insufficient to determine the role of this variant in disease. Therefore, it has been classified as a Variant of Uncertain Significance.

NM_001374828.1(ARID1B):c.5335G>A (p.Asp1779Asn)

Gene: ARID1B (AT-rich interaction domain 1B; plus strand). Cytogenetic location: 6q25.3.
Variant type: single nucleotide variant.
Coding change: c.5335G>A on transcript NM_001374828.1 (MANE Select); coding-DNA position 5335, G replaced by A.
Protein change: p.Asp1779Asn; replaces aspartic acid 1779 with asparagine.
Molecular consequence: missense variant.
Genome position (GRCh38, 1-based): chr6:157,203,937, G>A. VCF-style: chr6-157203937-G-A. GRCh37 (hg19) VCF-style: chr6-157525071-G-A.
Other names: c.2836G>A, p.Asp946Asn (NM_001363725.2); c.5215G>A, p.Asp1739Asn (NM_001371656.1, NM_001374820.1); c.5464G>A, p.Asp1822Asn (NM_001438482.1); c.5377G>A, p.Asp1793Asn (NM_001438483.1); c.5245G>A, p.Asp1749Asn (NM_001438485.1); c.5218G>A, p.Asp1740Asn (NM_001438486.1); c.5155G>A, p.Asp1719Asn (NM_001438487.1); c.2677G>A, p.Asp893Asn (NM_001438488.1); and 1 more; short protein forms D1719N, D1726N, D1739N, D1740N, D1749N, D1779N, D1793N, D1822N.
Identifiers: ClinVar variation 4807127 (VCV004807127.1).